The following is an entry in ClinVar:

NM_017654.4(SAMD9):c.4240C>A (p.Gln1414Lys)

Gene: SAMD9 (sterile alpha motif domain containing 9; minus strand). Cytogenetic location: 7q21.2.
Variant type: single nucleotide variant.
Coding change: c.4240C>A on transcript NM_017654.4 (MANE Select); coding-DNA position 4240, C replaced by A.
Protein change: p.Gln1414Lys; replaces glutamine 1414 with lysine.
Molecular consequence: missense variant.
Genome position (GRCh38, 1-based): chr7:93,101,858, G>T on the plus strand (C>A on the coding strand, the complement: SAMD9 is on the minus strand). VCF-style: chr7-93101858-G-T. GRCh37 (hg19) VCF-style: chr7-92731171-G-T.
Other names: c.4240C>A, p.Gln1414Lys (NM_001193307.2); short protein forms Q1414K.
Identifiers: ClinVar variation 5028728 (VCV005028728.1).
Genomic context (GRCh38, chr7:93,101,858, plus strand): 5'-GAAAATACGGTTCTGAAAACTGATAAGTCAGTCCTATTGGTTGCAAGACTTCTCGAAGCT[G>T]ATCTTTTAGTTTTTCAACTGGCTTTACTAATCTGGAGGTAGGTTGGATACAGGAGAGAAT-3'
Protein context (NP_060124.2, residues 1404-1424): LVKPVEKLKD[Gln1414Lys]LREVLQPIGL

ClinVar aggregate classification (germline): Uncertain significance (1 of 4 stars; one submission).

Conditions:
Inborn genetic diseases. Identifiers: MedGen C0950123, MeSH D030342.

Submission:

Ambry Genetics
Classification: Uncertain significance for Inborn genetic diseases. Last evaluated: 2026-06-18. Review status: criteria provided, single submitter. Criteria: Ambry Variant Classification Scheme 2023. Collection method: clinical testing. Allele origin: germline.
Comment: The p.Q1414K variant (also known as c.4240C>A), located in coding exon 1 of the SAMD9 gene, results from a C to A substitution at nucleotide position 4240. The glutamine at codon 1414 is replaced by lysine, an amino acid with similar properties. This amino acid position is conserved. In addition, this alteration is predicted to be tolerated by in silico analysis. Based on the available evidence, the clinical significance of this variant remains unclear.